The following is an entry in ClinVar:

ClinVar aggregate classification (germline): Uncertain significance (1 of 4 stars; one submission).

Conditions:
Cardiovascular phenotype. Identifiers: MedGen CN230736.

gnomAD v4.1: 3 of 1,614,026 alleles (0.00019%); highest among the groups gnomAD compares: Non-Finnish European, 0.00025%; no homozygotes.

Submission:

Ambry Genetics
Classification: Uncertain significance for Cardiovascular phenotype. Last evaluated: 2022-12-30. Review status: criteria provided, single submitter. Criteria: Ambry Variant Classification Scheme 2023. Collection method: clinical testing. Allele origin: germline.
Comment: The p.A181D variant (also known as c.542C>A), located in coding exon 2 of the GDF2 gene, results from a C to A substitution at nucleotide position 542. The alanine at codon 181 is replaced by aspartic acid, an amino acid with dissimilar properties. This amino acid position is poorly conserved in available vertebrate species. Since supporting evidence is limited at this time, the clinical significance of this alteration remains unclear.

NM_016204.4(GDF2):c.542C>A (p.Ala181Asp)

Gene: GDF2 (growth differentiation factor 2; plus strand). Cytogenetic location: 10q11.22.
Variant type: single nucleotide variant.
Coding change: c.542C>A on transcript NM_016204.4 (MANE Select); coding-DNA position 542, C replaced by A.
Protein change: p.Ala181Asp; replaces alanine 181 with aspartic acid.
Molecular consequence: missense variant.
Genome position (GRCh38, 1-based): chr10:47,325,036, C>A. VCF-style: chr10-47325036-C-A. GRCh37 (hg19) VCF-style: chr10-48414326-G-T.
Other names: short protein forms A181D.
Identifiers: ClinVar variation 2448311 (VCV002448311.2), dbSNP rs782486250, ClinGen allele CA376654850.